The following is an entry in ClinVar:

ClinVar aggregate classification (germline): Likely pathogenic (1 of 4 stars; one submission).

Conditions:
Tay-Sachs disease (TSD). Also called: HEXA DEFICIENCY; GM2 gangliosidosis, type 1; Hexosaminidase alpha-subunit deficiency (variant B); Sphingolipidosis, Tay-Sachs; Hexosaminidase A Deficiency; HEXA Disorders. Identifiers: Orphanet 845, MedGen C0039373, MONDO:0010100, OMIM 272800.

Submission:

Labcorp Genetics (formerly Invitae), Labcorp
Classification: Likely pathogenic for Tay-Sachs disease. Last evaluated: 2020-11-23. Review status: criteria provided, single submitter. Criteria: Invitae Variant Classification Sherloc (09022015). Collection method: clinical testing. Allele origin: germline.
Comment: This sequence change affects a donor splice site in intron 8 of the HEXA gene. It is expected to disrupt RNA splicing. Variants that disrupt the donor or acceptor splice site typically lead to a loss of protein function (PMID: 16199547), and loss-of-function variants in HEXA are known to be pathogenic (PMID: 1833974, 8490625). This variant is not present in population databases (ExAC no frequency). This variant has not been reported in the literature in individuals with HEXA-related conditions. Algorithms developed to predict the effect of sequence changes on RNA splicing suggest that this variant may disrupt the consensus splice site, but this prediction has not been confirmed by published transcriptional studies. In summary, the currently available evidence indicates that the variant is pathogenic, but additional data are needed to prove that conclusively. Therefore, this variant has been classified as Likely Pathogenic.

Literature cited by the submitters: PubMed 16199547; PubMed 1833974; PubMed 8490625.

NM_000520.6(HEXA):c.986+1G>C

Gene: HEXA (hexosaminidase subunit alpha; minus strand). Cytogenetic location: 15q23.
Variant type: single nucleotide variant.
Coding change: c.986+1G>C on transcript NM_000520.6 (MANE Select); the canonical splice donor site of the intron after coding-DNA position 986, G replaced by C.
Molecular consequence: splice donor variant.
Genome position (GRCh38, 1-based): chr15:72,349,078, C>G on the plus strand (G>C on the coding strand, the complement: HEXA is on the minus strand). VCF-style: chr15-72349078-C-G. GRCh37 (hg19) VCF-style: chr15-72641419-C-G.
Other names: c.1019+1G>C (NM_001318825.2).
Identifiers: ClinVar variation 1502522 (VCV001502522.8), dbSNP rs2140322856, ClinGen allele CA393062095.